The following is an entry in ClinVar:

NM_001830.4(CLCN4):c.43G>A (p.Asp15Asn)

Gene: CLCN4 (chloride voltage-gated channel 4; plus strand). Cytogenetic location: Xp22.2.
Variant type: single nucleotide variant.
Coding change: c.43G>A on transcript NM_001830.4 (MANE Select); coding-DNA position 43, G replaced by A.
Protein change: p.Asp15Asn; replaces aspartic acid 15 with asparagine.
Molecular consequence: missense variant. On other transcripts: intron variant (1).
Genome position (GRCh38, 1-based): chrX:10,185,075, G>A. VCF-style: chrX-10185075-G-A. GRCh37 (hg19) VCF-style: chrX-10153115-G-A.
Other names: c.-38-9836G>A (NM_001256944.2); short protein forms D15N.
Identifiers: ClinVar variation 224910 (VCV000224910.3), dbSNP rs879255591, ClinGen allele CA10576001.
Genomic context (GRCh38, chrX:10,185,075, plus strand): 5'-TGCCCAGGTGTAATTAGCATGGTCAATGCGGGAGCGATGAGTGGCTCTGGAAACCTGATG[G>A]ATTTCCTCGATGAGCCGTTCCCTGATGTGGGGACGTATGAGGACTTCCACACCATCGACT-3'
Protein context (NP_001821.2, residues 5-25): GAMSGSGNLM[Asp15Asn]FLDEPFPDVG

ClinVar aggregate classification (germline): Conflicting classifications of pathogenicity. Review status: criteria provided, conflicting classifications (1 of 4 stars). 2 submissions from 2 submitters: Likely pathogenic (1); Uncertain significance (1). Last evaluated 2016-03-22.

Conditions:
CLCN4-related disorder. Identifiers: MedGen CN232948.

Submissions (2):

Sydney Children's Hospital, SCHN
Classification: Uncertain significance for CLCN4-related disorder. Last evaluated: 2016-03-22. Review status: criteria provided, single submitter. Criteria: Submitter's publication. Collection method: clinical testing. Allele origin: de novo. Inheritance: Sporadic. Affected: yes. Observed: 1 variant allele, 1 heterozygote.
Comment: De novo variant. Additional non-neurological features not seen in other patients with CLCN4 related disorder.

GeneDx
Classification: Likely pathogenic. Last evaluated: 2016-03-04. Review status: criteria provided, single submitter. Criteria: GeneDx Variant Classification (06012015). Collection method: clinical testing. Allele origin: germline. Affected: yes.
Comment: The D15N variant in the CLCN4 gene has been previously reported in one individual with congenital diaphragmatic hernia (Yu et al., 2015). This variant was not observed in approximately 6500 individuals of European and African American ancestry in the NHLBI Exome Sequencing Project, indicating it is not a common benign variant in these populations. The D15N variant is a non-conservative amino acid substitution, which is likely to impact secondary protein structure as these residues differ in polarity, charge, size and/or other properties. The D15N variant is asemi-conservative amino acid substitution, which may impact secondary protein structure as these residues differ in some properties. This substitution occurs at a position that is conserved across species. In silico analysis is inconsistent in its predictions as to whether or not the variant is damaging to the protein structure/function. The D15N variant is a strong candidate for a pathogenic variant.